The following is an entry in ClinVar:

NM_000135.4(FANCA):c.3169del (p.Gln1057fs)

Gene: FANCA (FA complementation group A; minus strand). Cytogenetic location: 16q24.3.
Variant type: Deletion.
Coding change: c.3169del on transcript NM_000135.4 (MANE Select); coding-DNA position 3169, one base deleted (C; older notation c.3169delC).
Protein change: p.Gln1057fs; shifts the reading frame from glutamine 1057.
Molecular consequence: frameshift variant.
Genome position (GRCh38, 1-based): chr16:89,749,800, G deleted on the plus strand (C on the coding strand, the reverse complement: FANCA is on the minus strand); the first of 2 consecutive G bases (chr16:89,749,800-89,749,801); deleting either gives the same sequence. VCF-style (leftmost placement, unchanged base first): chr16-89749799-TG-T. GRCh37 (hg19) VCF-style: chr16-89816207-TG-T.
Other names: c.3169del, p.Gln1057fs (NM_001286167.3); short protein forms Q1057fs.
Identifiers: ClinVar variation 1452993 (VCV001452993.6), dbSNP rs2143138814, ClinGen allele CA2573152924.

ClinVar aggregate classification (germline): Pathogenic (1 of 4 stars; one submission).

Conditions:
Fanconi anemia (FA). Also called: Fanconi's anemia. Identifiers: Orphanet 84, MedGen C0015625, MeSH D005199, MONDO:0019391.

Submission:

Labcorp Genetics (formerly Invitae), Labcorp
Classification: Pathogenic for Fanconi anemia. Last evaluated: 2021-12-06. Review status: criteria provided, single submitter. Criteria: Invitae Variant Classification Sherloc (09022015). Collection method: clinical testing. Allele origin: germline.
Comment: This sequence change creates a premature translational stop signal (p.Gln1057Argfs*3) in the FANCA gene. It is expected to result in an absent or disrupted protein product. Loss-of-function variants in FANCA are known to be pathogenic (PMID: 19367192). This variant is not present in population databases (gnomAD no frequency). This variant has not been reported in the literature in individuals affected with FANCA-related conditions. For these reasons, this variant has been classified as Pathogenic.

Literature cited by the submitters: PubMed 19367192.